The following is an entry in ClinVar:

ClinVar aggregate classification (germline): Uncertain significance (1 of 4 stars; one submission).

Submission:

GeneDx
Classification: Uncertain significance. Last evaluated: 2024-05-29. Review status: criteria provided, single submitter. Criteria: GeneDx Variant Classification Process June 2021. Collection method: clinical testing. Allele origin: germline. Affected: yes.
Comment: Not observed at significant frequency in large population cohorts (gnomAD); In silico analysis supports that this missense variant has a deleterious effect on protein structure/function; Has not been previously published as pathogenic or benign to our knowledge

NM_001348323.3(TRIP12):c.1229C>A (p.Ser410Tyr)

Gene: TRIP12 (thyroid hormone receptor interactor 12; minus strand). Cytogenetic location: 2q36.3.
Variant type: single nucleotide variant.
Coding change: c.1229C>A on transcript NM_001348323.3 (MANE Select); coding-DNA position 1229, C replaced by A.
Protein change: p.Ser410Tyr; replaces serine 410 with tyrosine.
Molecular consequence: missense variant.
Genome position (GRCh38, 1-based): chr2:229,836,889, G>T on the plus strand (C>A on the coding strand, the complement: TRIP12 is on the minus strand). VCF-style: chr2-229836889-G-T. GRCh37 (hg19) VCF-style: chr2-230701605-G-T.
Other names: c.1229C>A, p.Ser410Tyr (NM_001284214.2, NM_001348315.2, NM_001348319.1 and 13 more transcripts); c.1103C>A, p.Ser368Tyr (NM_001284215.2, NM_001348316.2, NM_001348317.1 and 3 more transcripts); c.194C>A, p.Ser65Tyr (NM_001284216.2); c.1142C>A, p.Ser381Tyr (NM_001348332.1, NM_001348334.1); short protein forms S410Y, S65Y, S368Y, S381Y.
Identifiers: ClinVar variation 3383703 (VCV003383703.1).